The following is an entry in ClinVar:

ClinVar aggregate classification (germline): Uncertain significance (1 of 4 stars; one submission).

Submission:

Labcorp Genetics (formerly Invitae), Labcorp
Classification: Uncertain significance. Last evaluated: 2025-12-09. Review status: criteria provided, single submitter. Criteria: Invitae Variant Classification Sherloc (09022015). Collection method: clinical testing. Allele origin: germline.
Comment: This sequence change replaces methionine, which is neutral and non-polar, with valine, which is neutral and non-polar, at codon 13 of the ACTN1 protein (p.Met13Val). This variant is present in population databases (rs774738700, gnomAD 0.006%). This variant has not been reported in the literature in individuals affected with ACTN1-related conditions. An algorithm developed to predict the effect of missense changes on protein structure and function (PolyPhen-2) suggests that this variant is likely to be tolerated. In summary, the available evidence is currently insufficient to determine the role of this variant in disease. Therefore, it has been classified as a Variant of Uncertain Significance.

NM_001130004.2(ACTN1):c.37A>G (p.Met13Val)

Gene: ACTN1 (actinin alpha 1; minus strand). Cytogenetic location: 14q24.1.
Variant type: single nucleotide variant.
Coding change: c.37A>G on transcript NM_001130004.2 (MANE Select); coding-DNA position 37, A replaced by G.
Protein change: p.Met13Val; replaces methionine 13 with valine.
Molecular consequence: missense variant. On other transcripts: 5 prime UTR variant (1).
Genome position (GRCh38, 1-based): chr14:68,979,020, T>C on the plus strand (A>G on the coding strand, the complement: ACTN1 is on the minus strand). VCF-style: chr14-68979020-T-C. GRCh37 (hg19) VCF-style: chr14-69445737-T-C.
Other names: c.37A>G, p.Met13Val (NM_001102.4, NM_001130005.2, NM_001411035.1 and 10 more transcripts); c.-874A>G (NM_001424030.1); short protein forms M13V.
Identifiers: ClinVar variation 4700830 (VCV004700830.1).